The following is an entry in ClinVar:

ClinVar aggregate classification (germline): Uncertain significance (3 of 4 stars; one submission).

Conditions:
Open-angle glaucoma. Identifiers: MedGen C0017612, MONDO:0005338, HP:0012108.

Submission:

ClinGen Glaucoma Variant Curation Expert Panel
Classification: Uncertain significance for Open-angle glaucoma. Last evaluated: 2026-01-12. Review status: reviewed by expert panel. Criteria: ClinGen Glaucoma ACMG Specifications V2.0.0 Approved. Collection method: curation. Allele origin: germline. Inheritance: Autosomal dominant inheritance.
Comment: The c.1178G>A variant in MYOC is a missense variant predicted to cause substitution of Serine by Asparagine at amino acid 393 (p.Ser393Asn). This variant was not found in any genetic ancestry group of gnomAD (v4.1.0), meeting the ≤ 0.0001 threshold set for PM2_Supporting in a genetic ancestry group of at least 10,000 alleles. The REVEL score = 0.701, which was within the 0.644-0.772 range for PP3, predicting a damaging effect on MYOC function. There was no functional evidence predicting a damaging or benign impact of this variant on MYOC function. 2 probands with primary open angle glaucoma have been reported carrying this variant (PMID: 12442283 and Pasutto pers. comm.), which met PS4_Supporting (≥ 2 probands). In summary, this variant met the criteria to receive a score of 3 and to be classified as a variant of uncertain significance (uncertain significance classification range -1 to 5, adapted from PMID: 32720330) for primary open angle glaucoma based on the ACMG/AMP criteria met, as specified by the ClinGen Glaucoma VCEP (v2.0.0, 5 Dec 2024): PP3, PS4_Supporting, PM2_Supporting.

NM_000261.2(MYOC):c.1178G>A (p.Ser393Asn)

Gene: MYOC (myocilin; minus strand). Cytogenetic location: 1q24.3.
Variant type: single nucleotide variant.
Coding change: c.1178G>A on transcript NM_000261.2 (MANE Select); coding-DNA position 1178, G replaced by A.
Protein change: p.Ser393Asn; replaces serine 393 with asparagine.
Molecular consequence: missense variant.
Genome position (GRCh38, 1-based): chr1:171,636,262, C>T on the plus strand (G>A on the coding strand, the complement: MYOC is on the minus strand). VCF-style: chr1-171636262-C-T. GRCh37 (hg19) VCF-style: chr1-171605402-C-T.
Other names: NM_000261.2:c.1178G>A; short protein forms S393N.
Identifiers: ClinVar variation 2442277 (VCV002442277.2), dbSNP rs2527838941, ClinGen allele CA343724410.
Genomic context (GRCh38, chr1:171,636,262, plus strand): 5'-AGTTCCAGATTCTCTGGGTTCAGTTTGGAGAGGACAATGGCACCTTTGGCCTCATCGGTG[C>T]TGTAAATGACCCAGAGGCCTGCTTCATCCACAGCCAAGTCAATGTCCGTGTAGCCACCCC-3'
Protein context (NP_000252.1, residues 383-403): VDEAGLWVIY[Ser393Asn]TDEAKGAIVL